The following is an entry in ClinVar:

ClinVar aggregate classification (germline): Uncertain significance. Review status: criteria provided, multiple submitters, no conflicts (2 of 4 stars). 4 submissions from 4 submitters: Uncertain significance (3). 1 of the submissions does not count toward it. Last evaluated 2023-11-27.

Conditions:
Inborn genetic diseases. Identifiers: MedGen C0950123, MeSH D030342.
Citrin deficiency. Identifiers: Orphanet 247582, MedGen C1997910, MONDO:0016602.
Adult-onset citrullinemia type I. Also called: Late-onset citrullinemia. Identifiers: Orphanet 247573, MedGen C0268546, MONDO:0016601.

Allele frequency attached by ClinVar (database versions not stated): TOPMed 0.00003; gnomAD 0.00005.
gnomAD v4.1: 43 of 1,611,004 alleles (0.0027%); highest among the groups gnomAD compares: Middle Eastern, 0.049%; no homozygotes.

Submissions (4):

Ambry Genetics
Classification: Uncertain significance for Inborn genetic diseases. Last evaluated: 2023-11-27. Review status: criteria provided, single submitter. Criteria: Ambry Variant Classification Scheme 2023. Collection method: clinical testing. Allele origin: germline.

Labcorp Genetics (formerly Invitae), Labcorp
Classification: Uncertain significance for Citrin deficiency. Last evaluated: 2022-08-20. Review status: criteria provided, single submitter. Criteria: Invitae Variant Classification Sherloc (09022015). Collection method: clinical testing. Allele origin: germline.
Comment: This sequence change replaces proline, which is neutral and non-polar, with leucine, which is neutral and non-polar, at codon 53 of the SLC25A13 protein (p.Pro53Leu). This variant is present in population databases (rs753950441, gnomAD 0.03%). This variant has not been reported in the literature in individuals affected with SLC25A13-related conditions. ClinVar contains an entry for this variant (Variation ID: 581785). Advanced modeling of protein sequence and biophysical properties (such as structural, functional, and spatial information, amino acid conservation, physicochemical variation, residue mobility, and thermodynamic stability) performed at Invitae indicates that this missense variant is not expected to disrupt SLC25A13 protein function. In summary, the available evidence is currently insufficient to determine the role of this variant in disease. Therefore, it has been classified as a Variant of Uncertain Significance.

Eurofins Ntd Llc (ga)
Classification: Uncertain significance. Last evaluated: 2017-11-13. Review status: criteria provided, single submitter. Criteria: EGL Classification Definitions 2015. Collection method: clinical testing. Allele origin: germline. Observed: 1 variant allele, 1 heterozygote.

Natera, Inc.
Classification: Uncertain significance for Late-onset citrullinemia. Last evaluated: 2020-04-15. Review status: no assertion criteria provided. Collection method: clinical testing. Allele origin: germline. Not counted in ClinVar's aggregate classification.

NM_014251.3(SLC25A13):c.158C>T (p.Pro53Leu)

Gene: SLC25A13 (solute carrier family 25 member 13; minus strand). Cytogenetic location: 7q21.3.
Variant type: single nucleotide variant.
Coding change: c.158C>T on transcript NM_014251.3 (MANE Select); coding-DNA position 158, C replaced by T.
Protein change: p.Pro53Leu; replaces proline 53 with leucine.
Molecular consequence: missense variant. On other transcripts: non-coding transcript variant (1).
Genome position (GRCh38, 1-based): chr7:96,277,250, G>A on the plus strand (C>T on the coding strand, the complement: SLC25A13 is on the minus strand). VCF-style: chr7-96277250-G-A. GRCh37 (hg19) VCF-style: chr7-95906562-G-A.
Other names: c.158C>T, p.Pro53Leu (NM_001160210.2); short protein forms P53L.
Identifiers: ClinVar variation 581785 (VCV000581785.9), dbSNP rs753950441, ClinGen allele CA4353375.
Genomic context (GRCh38, chr7:96,277,250, plus strand): 5'-ACATACCCATCTTTGGTCTGATCCACCACTCCACTTAAAAGTTCCACAGTCTTTGGATTA[G>A]GCTGGCTTTCTCCAAAAATGTTCAAGTATCGAGTGACAAAGTCATTGGGGGACATGAAAA-3'
Protein context (NP_055066.1, residues 43-63): RYLNIFGESQ[Pro53Leu]NPKTVELLSG